The following is an entry in ClinVar:

ClinVar aggregate classification (germline): Conflicting classifications of pathogenicity. Review status: criteria provided, conflicting classifications (1 of 4 stars). 3 submissions from 3 submitters: Uncertain significance (2); Likely benign (1). Last evaluated 2025-05-20.

Allele frequency attached by ClinVar (database versions not stated): TOPMed 0.00007.

Submissions (3):

Ambry Genetics
Classification: Likely benign. Last evaluated: 2025-05-20. Review status: criteria provided, single submitter. Criteria: Ambry Variant Classification Scheme 2023. Collection method: clinical testing. Allele origin: germline.

Labcorp Genetics (formerly Invitae), Labcorp
Classification: Uncertain significance. Last evaluated: 2023-10-23. Review status: criteria provided, single submitter. Criteria: Invitae Variant Classification Sherloc (09022015). Collection method: clinical testing. Allele origin: germline.
Comment: This sequence change replaces arginine, which is basic and polar, with glutamine, which is neutral and polar, at codon 405 of the ABRAXAS1 protein (p.Arg405Gln). This variant is present in population databases (rs200281698, gnomAD 0.007%). This variant has not been reported in the literature in individuals affected with ABRAXAS1-related conditions. ClinVar contains an entry for this variant (Variation ID: 241855). Algorithms developed to predict the effect of missense changes on protein structure and function output the following: SIFT: "Not Available"; PolyPhen-2: "Benign"; Align-GVGD: "Not Available". The glutamine amino acid residue is found in multiple mammalian species, which suggests that this missense change does not adversely affect protein function. In summary, the available evidence is currently insufficient to determine the role of this variant in disease. Therefore, it has been classified as a Variant of Uncertain Significance.

Women's Health and Genetics/Laboratory Corporation of America, LabCorp
Classification: Uncertain significance. Last evaluated: 2016-12-22. Review status: criteria provided, single submitter. Criteria: LabCorp Variant Classification Summary - May 2015. Collection method: clinical testing. Allele origin: germline.
Comment: Variant summary: The FAM175A c.1214G>A (p.Arg405Gln) variant involves the alteration of a non-conserved nucleotide. 5/5 in silico tools predict a benign outcome for this substitution while 3/5 splice prediction tools predict the variant to introduce a cryptic splice site and therefore to have an impact splicing. However, these predictions have yet to be confirmed by functional studies. This variant was found in 5/118838 control chromosomes, predominantly observed in the European (Non-Finnish) subpopulation at a frequency of 0.0000756 (5/66110). This frequency is about 2 times the estimated maximal expected allele frequency of a pathogenic FAM175A variant (0.0000313), suggesting this is likely a benign polymorphism found primarily in the populations of European (Non-Finnish) origin. The variant of interest has not, to our knowledge, been reported in affected individuals via publications and/or reputable databases/clinical diagnostic laboratories; nor evaluated for functional impact by in vivo/vitro studies. One diagnostic laboratories/reputable databases classified this variant as uncertain significance. Taken together, the variant was classified as VUS-possibly benign.

NM_139076.3(ABRAXAS1):c.1214G>A (p.Arg405Gln)

Gene: ABRAXAS1 (abraxas 1, BRCA1 A complex subunit; minus strand). Cytogenetic location: 4q21.23.
Variant type: single nucleotide variant.
Coding change: c.1214G>A on transcript NM_139076.3 (MANE Select); coding-DNA position 1214, G replaced by A.
Protein change: p.Arg405Gln; replaces arginine 405 with glutamine.
Molecular consequence: missense variant.
Genome position (GRCh38, 1-based): chr4:83,462,485, C>T on the plus strand (G>A on the coding strand, the complement: ABRAXAS1 is on the minus strand). VCF-style: chr4-83462485-C-T. GRCh37 (hg19) VCF-style: chr4-84383638-C-T.
Other names: c.887G>A, p.Arg296Gln (NM_001345962.2); short protein forms R405Q, R296Q.
Identifiers: ClinVar variation 241855 (VCV000241855.11), dbSNP rs200281698, ClinGen allele CA2990353.